The following is an entry in ClinVar:

NM_000540.3(RYR1):c.14128C>G (p.Pro4710Ala)

Gene: RYR1 (ryanodine receptor 1; plus strand). Cytogenetic location: 19q13.2.
Variant type: single nucleotide variant.
Coding change: c.14128C>G on transcript NM_000540.3 (MANE Select); coding-DNA position 14128, C replaced by G.
Protein change: p.Pro4710Ala; replaces proline 4710 with alanine.
Molecular consequence: missense variant.
Genome position (GRCh38, 1-based): chr19:38,573,306, C>G. VCF-style: chr19-38573306-C-G. GRCh37 (hg19) VCF-style: chr19-39063946-C-G.
Other names: c.14113C>G, p.Pro4705Ala (NM_001042723.2); short protein forms P4705A, P4710A.
Identifiers: ClinVar variation 3071635 (VCV003071635.2), dbSNP rs2514718925, ClinGen allele CA405682647.

ClinVar aggregate classification (germline): Uncertain significance. Review status: criteria provided, multiple submitters, no conflicts (2 of 4 stars). 2 submissions from 2 submitters: Uncertain significance (2). Last evaluated 2024-03-28.

Conditions:
Malignant hyperthermia, susceptibility to, 1 (MHS1). Also called: Anesthesia related hyperthermia; Malignant hyperpyrexia; Fulminating hyperpyrexia; Pharmacogenic myopathy; RYR1-Related Malignant Hyperthermia Susceptibility; Malignant hyperthermia suceptibility 1. Identifiers: Orphanet 423, MedGen C2930980, MONDO:0007783, OMIM 145600.
Inborn genetic diseases. Identifiers: MedGen C0950123, MeSH D030342.

Allele frequency attached by ClinVar (database versions not stated): gnomAD exomes below 0.00001.
gnomAD v4.1: 1 of 1,613,170 alleles (0.000062%); highest among the groups gnomAD compares: East Asian, 0.0022%; no homozygotes.

Submissions (2):

Ambry Genetics
Classification: Uncertain significance for Inborn genetic diseases. Last evaluated: 2024-03-28. Review status: criteria provided, single submitter. Criteria: Ambry Variant Classification Scheme 2023. Collection method: clinical testing. Allele origin: germline.

All of Us Research Program, National Institutes of Health
Classification: Uncertain significance for Malignant hyperthermia, susceptibility to, 1. Last evaluated: 2023-06-08. Review status: criteria provided, single submitter. Criteria: ACMG Guidelines, 2015. Collection method: clinical testing. Allele origin: germline. Inheritance: Autosomal dominant inheritance. Observed: 1 variant allele, 1 heterozygote.
Comment: This missense variant replaces proline with alanine at codon 4710 of the RYR1 protein. Computational prediction suggests that this variant may have deleterious impact on protein structure and function (internally defined REVEL score threshold >= 0.7, PMID: 27666373). To our knowledge, functional studies have not been reported for this variant. This variant has not been reported in individuals affected with RYR1-related disorders in the literature. This variant has not been identified in the general population by the Genome Aggregation Database (gnomAD). The available evidence is insufficient to determine the role of this variant in disease conclusively. Therefore, this variant is classified as a Variant of Uncertain Significance.

This study involves interpretation of variants in research participants for the purpose of population health screening. Participant phenotype was not available at the time of variant classification. Additional details can be found in publication PMID: 35346344, PMCID: PMC8962531